The following is an entry in ClinVar:

NM_005228.5(EGFR):c.421C>A (p.Gln141Lys)

Gene: EGFR (epidermal growth factor receptor; plus strand). Cytogenetic location: 7p11.2.
Variant type: single nucleotide variant.
Coding change: c.421C>A on transcript NM_005228.5 (MANE Select); coding-DNA position 421, C replaced by A.
Protein change: p.Gln141Lys; replaces glutamine 141 with lysine.
Molecular consequence: missense variant. On other transcripts: intron variant (1).
Genome position (GRCh38, 1-based): chr7:55,143,485, C>A. VCF-style: chr7-55143485-C-A. GRCh37 (hg19) VCF-style: chr7-55211178-C-A.
Other names: c.421C>A, p.Gln141Lys (NM_001346897.2, NM_001346898.2, NM_001346899.2 and 3 more transcripts); c.262C>A, p.Gln88Lys (NM_001346900.2); c.89-12345C>A (NM_001346941.2); short protein forms Q141K, Q88K.
Identifiers: ClinVar variation 1351244 (VCV001351244.6), dbSNP rs2128927591, ClinGen allele CA367576042.

ClinVar aggregate classification (germline): Uncertain significance (1 of 4 stars; one submission).

Conditions:
EGFR-related lung cancer (EGFR). Identifiers: MedGen CN130014.

Submission:

Labcorp Genetics (formerly Invitae), Labcorp
Classification: Uncertain significance for EGFR-related lung cancer. Last evaluated: 2021-09-05. Review status: criteria provided, single submitter. Criteria: Invitae Variant Classification Sherloc (09022015). Collection method: clinical testing. Allele origin: germline.
Comment: In summary, the available evidence is currently insufficient to determine the role of this variant in disease. Therefore, it has been classified as a Variant of Uncertain Significance. Algorithms developed to predict the effect of missense changes on protein structure and function (SIFT, PolyPhen-2, Align-GVGD) all suggest that this variant is likely to be tolerated. This variant has not been reported in the literature in individuals affected with EGFR-related conditions. This variant is not present in population databases (ExAC no frequency). This sequence change replaces glutamine with lysine at codon 141 of the EGFR protein (p.Gln141Lys). The glutamine residue is weakly conserved and there is a small physicochemical difference between glutamine and lysine.